The following is an entry in ClinVar:

ClinVar aggregate classification (germline): Uncertain significance. Review status: criteria provided, multiple submitters, no conflicts (2 of 4 stars). 2 submissions from 2 submitters: Uncertain significance (2). Last evaluated 2024-11-21.

Conditions:
Autosomal dominant epilepsy with auditory features. Identifiers: Orphanet 101046, MedGen C1838062, MONDO:0010898.
Inborn genetic diseases. Identifiers: MedGen C0950123, MeSH D030342.

Allele frequency attached by ClinVar (database versions not stated): ExAC 0.00002; gnomAD exomes 0.00002; gnomAD 0.00003; TOPMed 0.00004; ESP Exome Variant Server 0.00015.
gnomAD v4.1: 42 of 1,614,118 alleles (0.0026%); highest among the groups gnomAD compares: Non-Finnish European, 0.0034%; no homozygotes.

Submissions (2):

Labcorp Genetics (formerly Invitae), Labcorp
Classification: Uncertain significance for Autosomal dominant epilepsy with auditory features. Last evaluated: 2024-11-21. Review status: criteria provided, single submitter. Criteria: Invitae Variant Classification Sherloc (09022015). Collection method: clinical testing. Allele origin: germline.
Comment: This sequence change replaces valine, which is neutral and non-polar, with methionine, which is neutral and non-polar, at codon 440 of the LGI1 protein (p.Val440Met). This variant is present in population databases (rs144400448, gnomAD 0.007%). This variant has not been reported in the literature in individuals affected with LGI1-related conditions. ClinVar contains an entry for this variant (Variation ID: 569365). Invitae Evidence Modeling of protein sequence and biophysical properties (such as structural, functional, and spatial information, amino acid conservation, physicochemical variation, residue mobility, and thermodynamic stability) indicates that this missense variant is not expected to disrupt LGI1 protein function with a negative predictive value of 80%. In summary, the available evidence is currently insufficient to determine the role of this variant in disease. Therefore, it has been classified as a Variant of Uncertain Significance.

Ambry Genetics
Classification: Uncertain significance for Inborn genetic diseases. Last evaluated: 2021-12-27. Review status: criteria provided, single submitter. Criteria: Ambry Variant Classification Scheme 2023. Collection method: clinical testing. Allele origin: germline.
Comment: The c.1318G>A (p.V440M) alteration is located in exon 8 (coding exon 8) of the LGI1 gene. This alteration results from a G to A substitution at nucleotide position 1318, causing the valine (V) at amino acid position 440 to be replaced by a methionine (M). Based on data from gnomAD, the A allele has an overall frequency of 0.0016% (4/251136) total alleles studied. The highest observed frequency was 0.006% (1/16256) of African alleles. This amino acid position is highly conserved in available vertebrate species. This alteration is predicted to be tolerated by in silico analysis. Based on insufficient or conflicting evidence, the clinical significance of this alteration remains unclear.

NM_005097.4(LGI1):c.1318G>A (p.Val440Met)

Gene: LGI1 (leucine rich glioma inactivated 1; plus strand). Cytogenetic location: 10q23.33.
Variant type: single nucleotide variant.
Coding change: c.1318G>A on transcript NM_005097.4 (MANE Select); coding-DNA position 1318, G replaced by A.
Protein change: p.Val440Met; replaces valine 440 with methionine.
Molecular consequence: missense variant. On other transcripts: non-coding transcript variant (1), intron variant (1).
Genome position (GRCh38, 1-based): chr10:93,797,447, G>A. VCF-style: chr10-93797447-G-A. GRCh37 (hg19) VCF-style: chr10-95557204-G-A.
Other names: c.1174G>A, p.Val392Met (NM_001308276.2); c.839-302G>A (NM_001308275.2); short protein forms V440M, V392M.
Identifiers: ClinVar variation 569365 (VCV000569365.9), dbSNP rs144400448, ClinGen allele CA5611251.
Genomic context (GRCh38, chr10:93,797,447, plus strand): 5'-TTCACTAACCAAACTGACATTCCTAACATGGAGGATGTGTACGCAGTGAAGCACTTCTCA[G>A]TGAAAGGGGACGTGTACATTTGCTTGACAAGATTCATTGGTGATTCCAAAGTCATGAAAT-3'
Protein context (NP_005088.1, residues 430-450): EDVYAVKHFS[Val440Met]KGDVYICLTR